The following is an entry in ClinVar:

NM_001061.7(TBXAS1):c.1159G>A (p.Glu387Lys)

Gene: TBXAS1 (thromboxane A synthase 1; plus strand). Cytogenetic location: 7q34.
Variant type: single nucleotide variant.
Coding change: c.1159G>A on transcript NM_001061.7 (MANE Select); coding-DNA position 1159, G replaced by A.
Protein change: p.Glu387Lys; replaces glutamic acid 387 with lysine.
Molecular consequence: missense variant.
Genome position (GRCh38, 1-based): chr7:140,007,115, G>A. VCF-style: chr7-140007115-G-A. GRCh37 (hg19) VCF-style: chr7-139706915-G-A.
Other names: p.Glu433Lys; c.1297G>A (NM_001166253.3); c.1159G>A, p.Glu387Lys (NM_001130966.5, NM_030984.6); c.1297G>A, p.Glu433Lys (NM_001166253.4); c.958G>A, p.Glu320Lys (NM_001166254.4); c.1102G>A, p.Glu368Lys (NM_001314028.4); c.976G>A, p.Glu326Lys (NM_001366537.3); short protein forms E320K, E387K, E433K, E326K, E368K.
Identifiers: ClinVar variation 193618 (VCV000193618.19), dbSNP rs3735354, ClinGen allele CA239176.

ClinVar aggregate classification (germline): Conflicting classifications of pathogenicity. Review status: criteria provided, conflicting classifications (1 of 4 stars). 5 submissions from 5 submitters: Uncertain significance (1); Benign (1); Likely benign (2). 1 of the submissions does not count toward it. Last evaluated 2026-01-25.

Conditions:
TBXAS1-related disorder. Also called: TBXAS1-related condition.

Allele frequency attached by ClinVar (database versions not stated): ESP Exome Variant Server 0.00038; gnomAD 0.00091 and 0.00113; TOPMed 0.00091; ExAC 0.00245; 1000 Genomes Project 0.00260; 1000 Genomes Project 30x 0.00312.
gnomAD v4.1: 1,884 of 1,614,064 alleles (0.12%); highest among the groups gnomAD compares: East Asian, 1.4%; 9 homozygotes.

Submissions (5):

Labcorp Genetics (formerly Invitae), Labcorp
Classification: Benign. Last evaluated: 2026-01-25. Review status: criteria provided, single submitter. Criteria: Invitae Variant Classification Sherloc (09022015). Collection method: clinical testing. Allele origin: germline.

Blueprint Genetics
Classification: Likely benign. Last evaluated: 2024-11-25. Review status: criteria provided, single submitter. Criteria: ACMG Guidelines, 2015. Collection method: clinical testing. Allele origin: germline.

Mayo Clinic Laboratories, Mayo Clinic
Classification: Likely benign. Last evaluated: 2024-04-19. Review status: criteria provided, single submitter. Criteria: ACMG Guidelines, 2015. Collection method: clinical testing. Allele origin: germline. Observed: 3 variant alleles.
Comment: BS1, BS2, BP4, PM1_supporting

Eurofins Ntd Llc (ga)
Classification: Uncertain significance. Last evaluated: 2014-10-08. Review status: criteria provided, single submitter. Criteria: EGL Classification Definitions 2015. Collection method: clinical testing. Allele origin: germline. Observed: 1 variant allele, 1 heterozygote.

PreventionGenetics, part of Exact Sciences
Classification: Benign for TBXAS1-related condition. Last evaluated: 2020-09-21. Review status: no assertion criteria provided. Collection method: clinical testing. Allele origin: germline. Not counted in ClinVar's aggregate classification.
Comment: This variant is classified as benign based on ACMG/AMP sequence variant interpretation guidelines (Richards et al. 2015 PMID: 25741868, with internal and published modifications).